The following is an entry in ClinVar:

NM_201384.3(PLEC):c.4492C>T (p.Arg1498Cys)

Gene: PLEC (plectin; minus strand). Cytogenetic location: 8q24.3.
Variant type: single nucleotide variant.
Coding change: c.4492C>T on transcript NM_201384.3 (MANE Select); coding-DNA position 4492, C replaced by T.
Protein change: p.Arg1498Cys; replaces arginine 1498 with cysteine.
Molecular consequence: missense variant.
Genome position (GRCh38, 1-based): chr8:143,925,437, G>A on the plus strand (C>T on the coding strand, the complement: PLEC is on the minus strand). VCF-style: chr8-143925437-G-A. GRCh37 (hg19) VCF-style: chr8-144999605-G-A.
Other names: c.4903C>T, p.Arg1635Cys (NM_201380.4); c.4396C>T, p.Arg1466Cys (NM_201381.3); c.4492C>T, p.Arg1498Cys (NM_201382.4); c.4504C>T, p.Arg1502Cys (NM_201383.3); c.4573C>T, p.Arg1525Cys (NM_000445.5); c.4450C>T, p.Arg1484Cys (NM_201378.4); c.4426C>T, p.Arg1476Cys (NM_201379.3); short protein forms R1484C, R1466C, R1525C, R1502C, R1498C, R1635C, R1476C.
Identifiers: ClinVar variation 1417220 (VCV001417220.8), dbSNP rs782021381, ClinGen allele CA4926641.

ClinVar aggregate classification (germline): Uncertain significance. Review status: criteria provided, multiple submitters, no conflicts (2 of 4 stars). 2 submissions from 2 submitters: Uncertain significance (2). Last evaluated 2026-01-19.

Conditions:
Epidermolysis bullosa simplex 5B, with muscular dystrophy (EBS5B). Also called: EPIDERMOLYSIS BULLOSA SIMPLEX AND LIMB-GIRDLE MUSCULAR DYSTROPHY; Epidermolysis bullosa simplex with muscular dystrophy. Identifiers: Orphanet 257, MedGen C2931072, MONDO:0009181, OMIM 226670.
Epidermolysis bullosa simplex, Ogna type (EBS5A). Also called: EPIDERMOLYSIS BULLOSA SIMPLEX 5A, OGNA TYPE; Pidermolysis bullosa simplex 5A, Ogna type. Identifiers: Orphanet 79401, MedGen C0432317, MONDO:0007555, OMIM 131950.
Epidermolysis bullosa simplex with nail dystrophy (EBS5D). Identifiers: MedGen C4225309, MONDO:0014661, OMIM 616487.
Autosomal recessive limb-girdle muscular dystrophy type 2Q (LGMDR17). Also called: MUSCULAR DYSTROPHY, LIMB-GIRDLE, AUTOSOMAL RECESSIVE 17. Identifiers: Orphanet 254361, MedGen C3150989, MONDO:0013390, OMIM 613723.
Epidermolysis bullosa simplex 5C, with pyloric atresia (EBS5C). Also called: Epidermolysis bullosa simplex with pyloric atresia; PLEC-Related Epidermolysis Bullosa with Pyloric Atresia; PLEC1-Related Epidermolysis Bullosa with Pyloric Atresia. Identifiers: Orphanet 158684, MedGen C2677349, MONDO:0012807, OMIM 612138.

Allele frequency attached by ClinVar (database versions not stated): gnomAD 0.00001; ExAC 0.00002; gnomAD exomes 0.00002; TOPMed 0.00002.
gnomAD v4.1: 13 of 1,594,974 alleles (0.00082%); highest among the groups gnomAD compares: South Asian, 0.0033%; no homozygotes.

Submissions (2):

Labcorp Genetics (formerly Invitae), Labcorp
Classification: Uncertain significance for Autosomal recessive limb-girdle muscular dystrophy type 2Q; Epidermolysis bullosa simplex, Ogna type; Epidermolysis bullosa simplex with nail dystrophy; Epidermolysis bullosa simplex 5C, with pyloric atresia; Epidermolysis bullosa simplex 5B, with muscular dystrophy. Last evaluated: 2026-01-19. Review status: criteria provided, single submitter. Criteria: Invitae Variant Classification Sherloc (09022015). Collection method: clinical testing. Allele origin: germline.
Comment: This sequence change replaces arginine, which is basic and polar, with cysteine, which is neutral and slightly polar, at codon 1525 of the PLEC protein (p.Arg1525Cys). The frequency data for this variant in the population databases is considered unreliable, as metrics indicate poor data quality at this position in the gnomAD database. This variant has not been reported in the literature in individuals affected with PLEC-related conditions. ClinVar contains an entry for this variant (Variation ID: 1417220). Invitae Evidence Modeling of protein sequence and biophysical properties (such as structural, functional, and spatial information, amino acid conservation, physicochemical variation, residue mobility, and thermodynamic stability) indicates that this missense variant is not expected to disrupt PLEC protein function with a negative predictive value of 80%. In summary, the available evidence is currently insufficient to determine the role of this variant in disease. Therefore, it has been classified as a Variant of Uncertain Significance.

Revvity Omics, Revvity
Classification: Uncertain significance. Last evaluated: 2023-08-02. Review status: criteria provided, single submitter. Criteria: ACMG Guidelines, 2015. Collection method: clinical testing. Allele origin: germline.